The following is an entry in ClinVar:

ClinVar aggregate classification (germline): Conflicting classifications of pathogenicity. Review status: criteria provided, conflicting classifications (1 of 4 stars). 4 submissions from 4 submitters: Uncertain significance (1); Benign (1); Likely benign (1). 1 of the submissions does not count toward it. Last evaluated 2025-09-02.

Conditions:
KMT2C-related disorder. Also called: KMT2C-related disorders; KMT2C-related condition.

Allele frequency attached by ClinVar (database versions not stated): TOPMed 0.00007; ESP Exome Variant Server 0.00008; 1000 Genomes Project 0.00060; 1000 Genomes Project 30x 0.00062; gnomAD 0.00064; ExAC 0.00074.
gnomAD v4.1: 614 of 1,614,020 alleles (0.038%); highest among the groups gnomAD compares: East Asian, 0.031%; 1 homozygote.

Submissions (4):

Labcorp Genetics (formerly Invitae), Labcorp
Classification: Benign. Last evaluated: 2025-09-02. Review status: criteria provided, single submitter. Criteria: Invitae Variant Classification Sherloc (09022015). Collection method: clinical testing. Allele origin: germline.

Blueprint Genetics
Classification: Likely benign. Last evaluated: 2024-11-20. Review status: criteria provided, single submitter. Criteria: ACMG Guidelines, 2015. Collection method: clinical testing. Allele origin: germline.

GeneDx
Classification: Uncertain significance. Last evaluated: 2023-06-06. Review status: criteria provided, single submitter. Criteria: GeneDx Variant Classification Process June 2021. Collection method: clinical testing. Allele origin: germline. Affected: yes.
Comment: In silico analysis supports that this missense variant has a deleterious effect on protein structure/function; Has not been previously published as pathogenic or benign to our knowledge

PreventionGenetics, part of Exact Sciences
Classification: Likely benign for KMT2C-related condition. Last evaluated: 2023-02-02. Review status: no assertion criteria provided. Collection method: clinical testing. Allele origin: germline. Not counted in ClinVar's aggregate classification.
Comment: This variant is classified as likely benign based on ACMG/AMP sequence variant interpretation guidelines (Richards et al. 2015 PMID: 25741868, with internal and published modifications).

NM_170606.3(KMT2C):c.7388G>A (p.Arg2463His)

Gene: KMT2C (lysine methyltransferase 2C; minus strand). Cytogenetic location: 7q36.1.
Variant type: single nucleotide variant.
Coding change: c.7388G>A on transcript NM_170606.3 (MANE Select); coding-DNA position 7388, G replaced by A.
Protein change: p.Arg2463His; replaces arginine 2463 with histidine.
Molecular consequence: missense variant.
Genome position (GRCh38, 1-based): chr7:152,179,888, C>T on the plus strand (G>A on the coding strand, the complement: KMT2C is on the minus strand). VCF-style: chr7-152179888-C-T. GRCh37 (hg19) VCF-style: chr7-151876973-C-T.
Other names: short protein forms R2463H.
Identifiers: ClinVar variation 2505868 (VCV002505868.7), dbSNP rs140834550, ClinGen allele CA4579885.